The following is an entry in ClinVar:

NM_001999.4(FBN2):c.4647C>T (p.Asn1549=)

Gene: FBN2 (fibrillin 2; minus strand). Cytogenetic location: 5q23.3.
Variant type: single nucleotide variant.
Coding change: c.4647C>T on transcript NM_001999.4 (MANE Select); coding-DNA position 4647, C replaced by T.
Protein change: p.Asn1549=; no amino-acid change (asparagine 1549 retained).
Molecular consequence: synonymous variant.
Genome position (GRCh38, 1-based): chr5:128,318,219, G>A on the plus strand (C>T on the coding strand, the complement: FBN2 is on the minus strand). VCF-style: chr5-128318219-G-A. GRCh37 (hg19) VCF-style: chr5-127653911-G-A.
Other names: p.N1549N:AAC>AAT.
Identifiers: ClinVar variation 137333 (VCV000137333.64), dbSNP rs146662880, ClinGen allele CA290875.

ClinVar aggregate classification (germline): Benign/Likely benign. Review status: criteria provided, multiple submitters, no conflicts (2 of 4 stars). 16 submissions from 15 submitters: Benign (7); Likely benign (6). 3 of the submissions do not count toward it. Last evaluated 2026-04-01.

Conditions:
FBN2-related disorder. Also called: FBN2-related condition.
Connective tissue disorder. Also called: Connective tissue disease. Identifiers: MedGen C0009782, MONDO:0003900.
Congenital contractural arachnodactyly (CCA). Also called: BEALS SYNDROME; Beals-Hecht syndrome; Arthrogryposis, distal, type 9. Identifiers: Orphanet 115, MedGen C0220668, MONDO:0007363, OMIM 121050.
Macular degeneration, early-onset (EOMD). Identifiers: MedGen C4015286, MONDO:0014501, OMIM 616118.
Ehlers-Danlos syndrome (EDS). Identifiers: Orphanet 98249, MedGen C0013720, MONDO:0020066.
Familial thoracic aortic aneurysm and aortic dissection (TAAD). Also called: Thoracic aortic aneurysms and dissections. Identifiers: Orphanet 91387, MedGen C4707243, MONDO:0019625.

Allele frequency attached by ClinVar (database versions not stated): 1000 Genomes Project 0.00040; TOPMed 0.00058; 1000 Genomes Project 30x 0.00062; ESP Exome Variant Server 0.00062; gnomAD 0.00072 and 0.00076; ExAC 0.00076; gnomAD exomes 0.00081 and 0.00086.
gnomAD v4.1: 1,394 of 1,613,980 alleles (0.086%); highest among the groups gnomAD compares: Non-Finnish European, 0.091%; 2 homozygotes.

Submissions (16):

CeGaT Center for Human Genetics Tuebingen
Classification: Likely benign. Last evaluated: 2026-04-01. Review status: criteria provided, single submitter. Criteria: CeGaT Center For Human Genetics Tuebingen Variant Classification Criteria Version 2. Collection method: clinical testing. Allele origin: germline. Affected: yes. Observed: 6 variant alleles.
Comment: FBN2: BP4, BS1

Labcorp Genetics (formerly Invitae), Labcorp
Classification: Benign for Congenital contractural arachnodactyly. Last evaluated: 2026-02-02. Review status: criteria provided, single submitter. Criteria: Invitae Variant Classification Sherloc (09022015). Collection method: clinical testing. Allele origin: germline.

Blueprint Genetics
Classification: Likely benign. Last evaluated: 2024-11-21. Review status: criteria provided, single submitter. Criteria: ACMG Guidelines, 2015. Collection method: clinical testing. Allele origin: germline.

Women's Health and Genetics/Laboratory Corporation of America, LabCorp
Classification: Benign. Last evaluated: 2023-07-21. Review status: criteria provided, single submitter. Criteria: LabCorp Variant Classification Summary - May 2015. Collection method: clinical testing. Allele origin: germline.

ARUP Laboratories, Molecular Genetics and Genomics, ARUP Laboratories
Classification: Benign. Last evaluated: 2022-10-21. Review status: criteria provided, single submitter. Criteria: ARUP Molecular Germline Variant Investigation Process 2021. Collection method: clinical testing. Allele origin: germline.

Fulgent Genetics
Classification: Likely benign for Congenital contractural arachnodactyly; Macular degeneration, early-onset. Last evaluated: 2022-05-15. Review status: criteria provided, single submitter. Criteria: ACMG Guidelines, 2015. Collection method: clinical testing. Allele origin: unknown.

Genome Diagnostics Laboratory, The Hospital for Sick Children
Classification: Benign for Connective tissue disorder. Last evaluated: 2021-09-27. Review status: criteria provided, single submitter. Criteria: ACMG Guidelines, 2015. Collection method: clinical testing. Allele origin: germline.

Genome Diagnostics Laboratory, The Hospital for Sick Children
Classification: Benign for Ehlers-Danlos syndrome. Last evaluated: 2020-08-31. Review status: criteria provided, single submitter. Criteria: ACMG Guidelines, 2015. Collection method: clinical testing. Allele origin: germline.

Illumina Laboratory Services, Illumina
Classification: Benign for Congenital contractural arachnodactyly. Last evaluated: 2018-01-13. Review status: criteria provided, single submitter. Criteria: ICSL Variant Classification Criteria 13 December 2019. Collection method: clinical testing. Allele origin: germline.
Comment: This variant was observed in the ICSL laboratory as part of a predisposition screen in an ostensibly healthy population. It had not been previously curated by ICSL or reported in the Human Gene Mutation Database (HGMD: prior to June 1st, 2018), and was therefore a candidate for classification through an automated scoring system. Utilizing variant allele frequency, disease prevalence and penetrance estimates, and inheritance mode, an automated score was calculated to assess if this variant is too frequent to cause the disease. Based on the score and internal cut-off values, a variant classified as benign is not then subjected to further curation. The score for this variant resulted in a classification of benign for this disease.

Center for Human Genetics, Inc
Classification: Likely benign for Connective tissue disorder. Last evaluated: 2016-11-01. Review status: criteria provided, single submitter. Criteria: ACMG Guidelines, 2015. Collection method: clinical testing. Allele origin: germline. Affected: yes.

Laboratory for Molecular Medicine, Mass General Brigham Personalized Medicine
Classification: Likely benign. Last evaluated: 2015-07-14. Review status: criteria provided, single submitter. Criteria: LMM Criteria. Collection method: clinical testing. Allele origin: germline. Observed: 1 variant allele.
Comment: p.Asn1549Asn in exon 36 of FBN2: This variant is not expected to have clinical s ignificance because it does not alter an amino acid residue and is not located w ithin the splice consensus sequence. It has been identified in 0.1% (82/66738) o f European chromosomes by the Exome Aggregation Consortium (ExAC; dbSNP rs146662880).

Ambry Genetics
Classification: Likely benign for Familial thoracic aortic aneurysm and aortic dissection. Last evaluated: 2015-03-06. Review status: criteria provided, single submitter. Criteria: Ambry Variant Classification Scheme 2023. Collection method: clinical testing. Allele origin: germline.

GeneDx
Classification: Benign. Last evaluated: 2013-02-26. Review status: criteria provided, single submitter. Criteria: GeneDx Variant Classification (06012015). Collection method: clinical testing. Allele origin: germline. Affected: yes.
Comment: This variant is considered likely benign or benign based on one or more of the following criteria: it is a conservative change, it occurs at a poorly conserved position in the protein, it is predicted to be benign by multiple in silico algorithms, and/or has population frequency not consistent with disease.

PreventionGenetics, part of Exact Sciences
Classification: Likely benign for FBN2-related condition. Last evaluated: 2019-10-28. Review status: no assertion criteria provided. Collection method: clinical testing. Allele origin: germline. Not counted in ClinVar's aggregate classification.
Comment: This variant is classified as likely benign based on ACMG/AMP sequence variant interpretation guidelines (Richards et al. 2015 PMID: 25741868, with internal and published modifications).

Clinical Genetics DNA and cytogenetics Diagnostics Lab, Erasmus MC, Erasmus Medical Center
Classification: Likely benign. Review status: no assertion criteria provided. Collection method: clinical testing. Allele origin: germline. Affected: yes. Study: VKGL Data-share Consensus. Not counted in ClinVar's aggregate classification.

Genome Diagnostics Laboratory, Amsterdam University Medical Center
Classification: Likely benign. Review status: no assertion criteria provided. Collection method: clinical testing. Allele origin: germline. Affected: yes. Study: VKGL Data-share Consensus. Not counted in ClinVar's aggregate classification.